The following is an entry in ClinVar:

ClinVar aggregate classification (germline): Uncertain significance (1 of 4 stars; one submission).

Conditions:
Isolated microphthalmia 4. Identifiers: Orphanet 2542, MedGen C2751307, MONDO:0013130, OMIM 613094.
Klippel-Feil syndrome 1, autosomal dominant (KFS1). Also called: CERVICAL VERTEBRAL FUSION, AUTOSOMAL DOMINANT. Identifiers: Orphanet 2345, MedGen C1861689, MONDO:0007306, OMIM 118100.
Leber congenital amaurosis 17 (LCA17). Identifiers: Orphanet 65, MedGen C3715164, MONDO:0014145, OMIM 615360.
Microphthalmia, isolated, with coloboma 6 (MCOPCB6). Also called: Microphthalmia with coloboma 6, digenic; Microphthalmia with coloboma 6; MICROPHTHALMIA/COLOBOMA 6. Identifiers: Orphanet 98938, MedGen C3150968, MONDO:0013376, OMIM 613703.

Allele frequency attached by ClinVar (database versions not stated): TOPMed 0.00004; gnomAD 0.00003.
gnomAD v4.1: 64 of 1,574,400 alleles (0.0041%); highest among the groups gnomAD compares: Admixed American, 0.0054%; no homozygotes.

Submission:

Labcorp Genetics (formerly Invitae), Labcorp
Classification: Uncertain significance for Isolated microphthalmia 4; Leber congenital amaurosis 17; Klippel-Feil syndrome 1, autosomal dominant; Microphthalmia, isolated, with coloboma 6. Last evaluated: 2025-11-27. Review status: criteria provided, single submitter. Criteria: Invitae Variant Classification Sherloc (09022015). Collection method: clinical testing. Allele origin: germline.
Comment: This sequence change replaces glycine, which is neutral and non-polar, with arginine, which is basic and polar, at codon 182 of the GDF6 protein (p.Gly182Arg). This variant is present in population databases (rs767572263, gnomAD 0.006%). This variant has not been reported in the literature in individuals affected with GDF6-related conditions. ClinVar contains an entry for this variant (Variation ID: 1433074). Invitae Evidence Modeling of protein sequence and biophysical properties (such as structural, functional, and spatial information, amino acid conservation, physicochemical variation, residue mobility, and thermodynamic stability) indicates that this missense variant is not expected to disrupt GDF6 protein function with a negative predictive value of 80%. In summary, the available evidence is currently insufficient to determine the role of this variant in disease. Therefore, it has been classified as a Variant of Uncertain Significance.

NM_001001557.4(GDF6):c.544G>C (p.Gly182Arg)

Gene: GDF6 (growth differentiation factor 6; minus strand). Cytogenetic location: 8q22.1.
Variant type: single nucleotide variant.
Coding change: c.544G>C on transcript NM_001001557.4 (MANE Select); coding-DNA position 544, G replaced by C.
Protein change: p.Gly182Arg; replaces glycine 182 with arginine.
Molecular consequence: missense variant.
Genome position (GRCh38, 1-based): chr8:96,145,387, C>G on the plus strand (G>C on the coding strand, the complement: GDF6 is on the minus strand). VCF-style: chr8-96145387-C-G. GRCh37 (hg19) VCF-style: chr8-97157615-C-G.
Other names: short protein forms G182R.
Identifiers: ClinVar variation 1433074 (VCV001433074.6), dbSNP rs767572263, ClinGen allele CA4815439.